The following is an entry in ClinVar:

NM_015158.5(KANK1):c.2621A>G (p.Asn874Ser)

Gene: KANK1 (KN motif and ankyrin repeat domains 1; plus strand). Cytogenetic location: 9p24.3.
Variant type: single nucleotide variant.
Coding change: c.2621A>G on transcript NM_015158.5 (MANE Select); coding-DNA position 2621, A replaced by G.
Protein change: p.Asn874Ser; replaces asparagine 874 with serine.
Molecular consequence: missense variant. On other transcripts: non-coding transcript variant (1).
Genome position (GRCh38, 1-based): chr9:713,387, A>G. VCF-style: chr9-713387-A-G. GRCh37 (hg19) VCF-style: chr9-713387-A-G.
Other names: c.2621A>G (NM_015158.2); c.2621A>G, p.Asn874Ser (NM_001256876.3, NM_001256877.3, NM_001354331.2 and 2 more transcripts); c.2147A>G, p.Asn716Ser (NM_001354333.2, NM_001354335.2, NM_001354336.2 and 9 more transcripts); short protein forms N716S, N874S.
Identifiers: ClinVar variation 1898424 (VCV001898424.6), dbSNP rs774972283, ClinGen allele CA187838527.

ClinVar aggregate classification (germline): Uncertain significance. Review status: criteria provided, multiple submitters, no conflicts (2 of 4 stars). 2 submissions from 2 submitters: Uncertain significance (2). Last evaluated 2025-09-28.

Allele frequency attached by ClinVar (database versions not stated): gnomAD 0.00001; TOPMed 0.00002.
gnomAD v4.1: 4 of 1,613,672 alleles (0.00025%); highest among the groups gnomAD compares: East Asian, 0.0022%; no homozygotes.

Submissions (2):

Ambry Genetics
Classification: Uncertain significance. Last evaluated: 2025-09-28. Review status: criteria provided, single submitter. Criteria: Ambry Variant Classification Scheme 2023. Collection method: clinical testing. Allele origin: germline.

Labcorp Genetics (formerly Invitae), Labcorp
Classification: Uncertain significance. Last evaluated: 2022-04-12. Review status: criteria provided, single submitter. Criteria: Invitae Variant Classification Sherloc (09022015). Collection method: clinical testing. Allele origin: germline.
Comment: Algorithms developed to predict the effect of missense changes on protein structure and function output the following: SIFT: "Tolerated"; PolyPhen-2: "Benign"; Align-GVGD: "Class C0". The serine amino acid residue is found in multiple mammalian species, which suggests that this missense change does not adversely affect protein function. This variant has not been reported in the literature in individuals affected with KANK1-related conditions. This variant is not present in population databases (gnomAD no frequency). This sequence change replaces asparagine, which is neutral and polar, with serine, which is neutral and polar, at codon 874 of the KANK1 protein (p.Asn874Ser). In summary, the available evidence is currently insufficient to determine the role of this variant in disease. Therefore, it has been classified as a Variant of Uncertain Significance.